The following is an entry in ClinVar:

NM_007078.3(LDB3):c.897-6707G>A

Gene: LDB3 (LIM domain binding 3; plus strand). Cytogenetic location: 10q23.2.
Variant type: single nucleotide variant.
Coding change: c.897-6707G>A on transcript NM_007078.3 (MANE Select); 6707 bases into the intron before coding-DNA position 897, G replaced by A.
Molecular consequence: intron variant. On other transcripts: 3 prime UTR variant (6).
Genome position (GRCh38, 1-based): chr10:86,699,824, G>A. VCF-style: chr10-86699824-G-A. GRCh37 (hg19) VCF-style: chr10-88459581-G-A.
Other names: c.*450G>A (NM_001080115.2, NM_001080116.1, NM_001171611.2 and 3 more transcripts); c.896+7253G>A (NM_001368064.1, NM_001368065.1); c.1100+7253G>A (NM_001171610.2); c.756-6707G>A (NM_001368066.1); c.755+7253G>A (NM_001080114.2).
Identifiers: ClinVar variation 301342 (VCV000301342.30), dbSNP rs537660741, ClinGen allele CA10636701.

ClinVar aggregate classification (germline): Conflicting classifications of pathogenicity. Review status: criteria provided, conflicting classifications (1 of 4 stars). 3 submissions from 2 submitters: Uncertain significance (2); Benign (1). Last evaluated 2022-06-01.

Conditions:
Dilated cardiomyopathy 1C (CMD1C). Also called: CARDIOMYOPATHY, DILATED, 1C, WITH OR WITHOUT LEFT VENTRICULAR NONCOMPACTION; Cardiomyopathy, dilated, 1C, with or without LVNC. Identifiers: Orphanet 154, Orphanet 54260, MedGen C1832244, MONDO:0011094, OMIM 601493.
Myofibrillar myopathy 4. Also called: Zaspopathy (type). Identifiers: Orphanet 98912, MedGen C4721886, MONDO:0012277, OMIM 609452.

Allele frequency attached by ClinVar (database versions not stated): TOPMed 0.00077.
gnomAD v4.1: 1,068 of 1,026,638 alleles (0.1%); highest among the groups gnomAD compares: Non-Finnish European, 0.12%; 1 homozygote.

Submissions (3):

CeGaT Center for Human Genetics Tuebingen
Classification: Benign. Last evaluated: 2022-06-01. Review status: criteria provided, single submitter. Criteria: CeGaT Center For Human Genetics Tuebingen Variant Classification Criteria Version 2. Collection method: clinical testing. Allele origin: germline. Affected: yes. Observed: 1 variant allele.
Comment: LDB3: BS1, BS2

Illumina Laboratory Services, Illumina
Classification: Uncertain significance for Dilated cardiomyopathy 1C. Last evaluated: 2018-01-13. Review status: criteria provided, single submitter. Criteria: ICSL Variant Classification Criteria 13 December 2019. Collection method: clinical testing. Allele origin: germline.

Illumina Laboratory Services, Illumina
Classification: Uncertain significance for Myofibrillar myopathy 4. Last evaluated: 2018-01-13. Review status: criteria provided, single submitter. Criteria: ICSL Variant Classification Criteria 13 December 2019. Collection method: clinical testing. Allele origin: germline.